The following is an entry in ClinVar:

NM_001130438.3(SPTAN1):c.4556A>G (p.Lys1519Arg)

Gene: SPTAN1 (spectrin alpha, non-erythrocytic 1; plus strand). Cytogenetic location: 9q34.11.
Variant type: single nucleotide variant.
Coding change: c.4556A>G on transcript NM_001130438.3 (MANE Select); coding-DNA position 4556, A replaced by G.
Protein change: p.Lys1519Arg; replaces lysine 1519 with arginine.
Molecular consequence: missense variant.
Genome position (GRCh38, 1-based): chr9:128,608,938, A>G. VCF-style: chr9-128608938-A-G. GRCh37 (hg19) VCF-style: chr9-131371217-A-G.
Other names: c.4496A>G, p.Lys1499Arg (NM_001195532.2, NM_001363765.2, NM_001375314.2); c.4556A>G, p.Lys1519Arg (NM_001363759.2, NM_001375310.1, NM_001375311.2 and 2 more transcripts); c.4592A>G, p.Lys1531Arg (NM_001375312.2, NM_001375318.1); short protein forms K1531R, K1499R, K1519R.
Identifiers: ClinVar variation 2768910 (VCV002768910.3), dbSNP rs1163468742, ClinGen allele CA375068398.

ClinVar aggregate classification (germline): Uncertain significance (1 of 4 stars; one submission).

Conditions:
Early-infantile DEE. Also called: Ohtahara syndrome; Early infantile epileptic encephalopathy; Early infantile epileptic encephalopathy with suppression bursts. Identifiers: Orphanet 1934, MedGen C0393706, MONDO:0800491.

Allele frequency attached by ClinVar (database versions not stated): gnomAD 0.00001.
gnomAD v4.1: 1 of 1,614,128 alleles (0.000062%); highest among the groups gnomAD compares: African/African-American, 0.0013%; no homozygotes.

Submission:

Labcorp Genetics (formerly Invitae), Labcorp
Classification: Uncertain significance for Early-infantile DEE. Last evaluated: 2023-10-16. Review status: criteria provided, single submitter. Criteria: Invitae Variant Classification Sherloc (09022015). Collection method: clinical testing. Allele origin: germline.
Comment: This sequence change replaces lysine, which is basic and polar, with arginine, which is basic and polar, at codon 1519 of the SPTAN1 protein (p.Lys1519Arg). This variant is present in population databases (no rsID available, gnomAD 0.01%). This variant has not been reported in the literature in individuals affected with SPTAN1-related conditions. Advanced modeling of protein sequence and biophysical properties (such as structural, functional, and spatial information, amino acid conservation, physicochemical variation, residue mobility, and thermodynamic stability) has been performed at Invitae for this missense variant, however the output from this modeling did not meet the statistical confidence thresholds required to predict the impact of this variant on SPTAN1 protein function. In summary, the available evidence is currently insufficient to determine the role of this variant in disease. Therefore, it has been classified as a Variant of Uncertain Significance.